The following is an entry in ClinVar:

NM_001723.7(DST):c.4063G>C (p.Glu1355Gln)

Gene: DST (dystonin; minus strand). Cytogenetic location: 6p12.1.
Variant type: single nucleotide variant.
Coding change: c.4063G>C on transcript NM_001723.7 (MANE Plus Clinical); coding-DNA position 4063, G replaced by C.
Protein change: p.Glu1355Gln; replaces glutamic acid 1355 with glutamine.
Molecular consequence: missense variant. On other transcripts: intron variant (10).
Genome position (GRCh38, 1-based): chr6:56,619,971, C>G on the plus strand (G>C on the coding strand, the complement: DST is on the minus strand). VCF-style: chr6-56619971-C-G. GRCh37 (hg19) VCF-style: chr6-56484769-C-G.
Other names: c.4830+4559G>C (NM_001144769.5); c.4929+4559G>C (NM_001374722.1, NM_001374736.1); c.4956+4559G>C (NM_001374734.1); c.4416+4559G>C (NM_001144770.2); c.4296+4559G>C (NM_001374730.1, NM_001386100.1, NM_183380.4 and 1 more transcripts); c.3318+4559G>C (NM_015548.5); short protein forms E1355Q.
Identifiers: ClinVar variation 4793819 (VCV004793819.1).

ClinVar aggregate classification (germline): Uncertain significance (1 of 4 stars; one submission).

Conditions:
Hereditary sensory and autonomic neuropathy type 6. Also called: Neuropathy, hereditary sensory and autonomic, type VI; HSAN VI. Identifiers: Orphanet 314381, MedGen C3539003, MONDO:0013839, OMIM 614653.
Epidermolysis bullosa simplex 3, localized or generalized intermediate, with BP230 deficiency (EBS3). Also called: Epidermolysis bullosa simplex due to BP230 deficiency; Epidermolysis bullosa simplex, autosomal recessive 2. Identifiers: Orphanet 412181, MedGen C3809470, MONDO:0014180, OMIM 615425.

gnomAD v4.1: 31 of 1,613,938 alleles (0.0019%); highest among the groups gnomAD compares: Non-Finnish European, 0.0026%; no homozygotes.

Submission:

Labcorp Genetics (formerly Invitae), Labcorp
Classification: Uncertain significance for Epidermolysis bullosa simplex 3, localized or generalized intermediate, with BP230 deficiency; Hereditary sensory and autonomic neuropathy type 6. Last evaluated: 2025-09-11. Review status: criteria provided, single submitter. Criteria: Invitae Variant Classification Sherloc (09022015). Collection method: clinical testing. Allele origin: germline.
Comment: This sequence change replaces glutamic acid, which is acidic and polar, with glutamine, which is neutral and polar, at codon 1355 of the DST protein (p.Glu1355Gln). This variant is present in population databases (no rsID available, gnomAD 0.002%). This variant has not been reported in the literature in individuals affected with DST-related conditions. An algorithm developed to predict the effect of missense changes on protein structure and function (PolyPhen-2) suggests that this variant is likely to be tolerated. In summary, the available evidence is currently insufficient to determine the role of this variant in disease. Therefore, it has been classified as a Variant of Uncertain Significance.